The following is an entry in ClinVar:

ClinVar aggregate classification (germline): not provided (0 of 4 stars; one submission).

Allele frequency attached by ClinVar (database versions not stated): gnomAD 0.00004 and 0.00009; TOPMed 0.00008; 1000 Genomes Project 0.00020; gnomAD exomes 0.00026; 1000 Genomes Project 30x 0.00031.

Submission:

Human Evolutionary Genetics, Institut Pasteur
No classification provided. Review status: no classification provided. Collection method: not provided. Allele origin: germline.
ClinVar note: Converted during submission from untested to not provided.

NC_000019.10:g.53793505G>T

Gene: NLRP12 (NLR family pyrin domain containing 12; minus strand). Cytogenetic location: 19q13.42.
Variant type: single nucleotide variant.
Genome position: GRCh38 VCF-style: chr19-53793505-G-T. GRCh37 (hg19) VCF-style: chr19-54296759-G-T.
Identifiers: ClinVar variation 102979 (VCV000102979.2), dbSNP rs199475873, ClinGen allele CA229945.